The following is an entry in ClinVar:

ClinVar aggregate classification (germline): Uncertain significance. Review status: criteria provided, multiple submitters, no conflicts (2 of 4 stars). 3 submissions from 3 submitters: Uncertain significance (3). Last evaluated 2025-01-19.

Conditions:
Inborn genetic diseases. Identifiers: MedGen C0950123, MeSH D030342.
Deficiency of UDPglucose-hexose-1-phosphate uridylyltransferase. Also called: GALT deficiency; Galactosemia, classic; GALACTOSE-1-PHOSPHATE URIDYLYLTRANSFERASE DEFICIENCY; Transferase Deficiency Galactosemia; GALACTOSEMIA I. Identifiers: Orphanet 352, Orphanet 79239, MedGen C0268151, MONDO:0009258, OMIM 230400.

Allele frequency attached by ClinVar (database versions not stated): gnomAD 0.00001; gnomAD exomes 0.00001; TOPMed 0.00002.

Submissions (3):

Ambry Genetics
Classification: Uncertain significance for Inborn genetic diseases. Last evaluated: 2025-01-19. Review status: criteria provided, single submitter. Criteria: Ambry Variant Classification Scheme 2023. Collection method: clinical testing. Allele origin: germline.

Labcorp Genetics (formerly Invitae), Labcorp
Classification: Uncertain significance for Deficiency of UDPglucose-hexose-1-phosphate uridylyltransferase. Last evaluated: 2021-08-26. Review status: criteria provided, single submitter. Criteria: Invitae Variant Classification Sherloc (09022015). Collection method: clinical testing. Allele origin: germline.
Comment: This sequence change replaces arginine with tryptophan at codon 263 of the GALT protein (p.Arg263Trp). The arginine residue is highly conserved and there is a moderate physicochemical difference between arginine and tryptophan. This variant is not present in population databases (ExAC no frequency). This variant has not been reported in the literature in individuals affected with GALT-related conditions. Algorithms developed to predict the effect of missense changes on protein structure and function are either unavailable or do not agree on the potential impact of this missense change (SIFT: "Deleterious"; PolyPhen-2: "Probably Damaging"; Align-GVGD: "Class C0"). In summary, the available evidence is currently insufficient to determine the role of this variant in disease. Therefore, it has been classified as a Variant of Uncertain Significance.

Mayo Clinic Laboratories, Mayo Clinic
Classification: Uncertain significance. Last evaluated: 2021-07-26. Review status: criteria provided, single submitter. Criteria: ACMG Guidelines, 2015. Collection method: clinical testing. Allele origin: germline.

NM_000155.4(GALT):c.787C>T (p.Arg263Trp)

Gene: GALT (galactose-1-phosphate uridylyltransferase; plus strand). Cytogenetic location: 9p13.3.
Variant type: single nucleotide variant.
Coding change: c.787C>T on transcript NM_000155.4 (MANE Select); coding-DNA position 787, C replaced by T.
Protein change: p.Arg263Trp; replaces arginine 263 with tryptophan.
Molecular consequence: missense variant.
Genome position (GRCh38, 1-based): chr9:34,648,861, C>T. VCF-style: chr9-34648861-C-T. GRCh37 (hg19) VCF-style: chr9-34648858-C-T.
Other names: p.Arg263Trp; c.460C>T, p.Arg154Trp (NM_001258332.2); c.787C>T (NM_000155.2); short protein forms R263W, R154W.
Identifiers: ClinVar variation 1484145 (VCV001484145.9), dbSNP rs1448701207, ClinGen allele CA373283937.